The following is an entry in ClinVar:

ClinVar aggregate classification (germline): Conflicting classifications of pathogenicity. Review status: criteria provided, conflicting classifications (1 of 4 stars). 13 submissions from 10 submitters: Uncertain significance (3); Benign (4); Likely benign (5). 1 of the submissions does not count toward it. Last evaluated 2026-01-31.

Conditions:
Hereditary hyperinsulinism.
Inborn genetic diseases. Identifiers: MedGen C0950123, MeSH D030342.
Transitory neonatal diabetes mellitus. Also called: Transient neonatal diabetes mellitus. Identifiers: MedGen C0342273, MONDO:0020525, HP:0008255.
Maturity-onset diabetes of the young (MODY). Also called: Maturity onset diabetes mellitus in young. Identifiers: Orphanet 552, MedGen C0342276, MONDO:0018911, HP:0004904.
Hyperinsulinemic hypoglycemia, familial, 1 (HHF1). Also called: Persistent hyperinsulinemic hypoglycemia of infancy; NESIDIOBLASTOSIS OF PANCREAS; Persistent Hyperinsulinemia Hypoglycemia of Infancy; HYPERINSULINISM, FAMILIAL, WITH PANCREATIC NESIDIOBLASTOSIS; HYPOGLYCEMIA, HYPERINSULINEMIC, OF INFANCY. Identifiers: Orphanet 276575, Orphanet 276598, MedGen C2931832, MONDO:0009734, OMIM 256450.
Permanent neonatal diabetes mellitus (PNDM). Identifiers: Orphanet 99885, MedGen C1833104, MONDO:0100164, MONDO:0011643. Disease mechanism: gain of function.
Diabetes mellitus, transient neonatal, 2 (TNDM2). Identifiers: Orphanet 99886, MedGen C1835887, MONDO:0012480, OMIM 610374. Disease mechanism: loss of function.

Allele frequency attached by ClinVar (database versions not stated): gnomAD exomes 0.00022 and 0.00064; ExAC 0.00082; ESP Exome Variant Server 0.00254; gnomAD 0.00265 and 0.00284; 1000 Genomes Project 0.00280; TOPMed 0.00310; 1000 Genomes Project 30x 0.00328.
gnomAD v4.1: 727 of 1,612,704 alleles (0.045%); highest among the groups gnomAD compares: African/African-American, 0.89%; 7 homozygotes.

Submissions (13):

Labcorp Genetics (formerly Invitae), Labcorp
Classification: Benign. Last evaluated: 2026-01-31. Review status: criteria provided, single submitter. Criteria: Invitae Variant Classification Sherloc (09022015). Collection method: clinical testing. Allele origin: germline.

Blueprint Genetics
Classification: Likely benign. Last evaluated: 2024-11-26. Review status: criteria provided, single submitter. Criteria: ACMG Guidelines, 2015. Collection method: clinical testing. Allele origin: germline.

Women's Health and Genetics/Laboratory Corporation of America, LabCorp
Classification: Benign. Last evaluated: 2024-11-18. Review status: criteria provided, single submitter. Criteria: LabCorp Variant Classification Summary - May 2015. Collection method: clinical testing. Allele origin: germline.
Comment: Variant summary: ABCC8 c.1926C>G (p.Pro642Pro) alters a non-conserved nucleotide located close to a canonical splice site and therefore could affect mRNA splicing, leading to a significantly altered protein sequence. Consensus agreement among computation tools predict no significant impact on normal splicing. However, these predictions have yet to be confirmed by functional studies. The variant allele was found at a frequency of 0.00064 in 250404 control chromosomes, predominantly at a frequency of 0.009 within the African or African-American subpopulation in the gnomAD database. The observed variant frequency within African or African-American control individuals in the gnomAD database is approximately 2.68 fold of the estimated maximal expected allele frequency for a pathogenic variant in ABCC8 causing Congenital Hyperinsulinism phenotype (0.0034). To our knowledge, no occurrence of c.1926C>G in individuals affected with Congenital Hyperinsulinism and no experimental evidence demonstrating its impact on protein function have been reported. ClinVar contains an entry for this variant (Variation ID: 157685). Based on the evidence outlined above, the variant was classified as benign.

Ambry Genetics
Classification: Likely benign for Inborn genetic diseases. Last evaluated: 2022-04-06. Review status: criteria provided, single submitter. Criteria: Ambry Variant Classification Scheme 2023. Collection method: clinical testing. Allele origin: germline.

GeneDx
Classification: Likely benign. Last evaluated: 2021-02-09. Review status: criteria provided, single submitter. Criteria: GeneDx Variant Classification Process June 2021. Collection method: clinical testing. Allele origin: germline. Affected: yes.

Illumina Laboratory Services, Illumina
Classification: Uncertain significance for Hyperinsulinemic hypoglycemia, familial, 1. Last evaluated: 2018-01-13. Review status: criteria provided, single submitter. Criteria: ICSL Variant Classification Criteria 13 December 2019. Collection method: clinical testing. Allele origin: germline.

Illumina Laboratory Services, Illumina
Classification: Benign for Diabetes mellitus, transient neonatal, 2. Last evaluated: 2018-01-13. Review status: criteria provided, single submitter. Criteria: ICSL Variant Classification Criteria 13 December 2019. Collection method: clinical testing. Allele origin: germline.
Comment: This variant was observed in the ICSL laboratory as part of a predisposition screen in an ostensibly healthy population. It had not been previously curated by ICSL or reported in the Human Gene Mutation Database (HGMD: prior to June 1st, 2018), and was therefore a candidate for classification through an automated scoring system. Utilizing variant allele frequency, disease prevalence and penetrance estimates, and inheritance mode, an automated score was calculated to assess if this variant is too frequent to cause the disease. Based on the score and internal cut-off values, a variant classified as benign is not then subjected to further curation. The score for this variant resulted in a classification of benign for this disease.

Illumina Laboratory Services, Illumina
Classification: Likely benign for Permanent neonatal diabetes mellitus 1. Last evaluated: 2018-01-13. Review status: criteria provided, single submitter. Criteria: ICSL Variant Classification Criteria 13 December 2019. Collection method: clinical testing. Allele origin: germline.
Comment: This variant was observed in the ICSL laboratory as part of a predisposition screen in an ostensibly healthy population. It had not been previously curated by ICSL or reported in the Human Gene Mutation Database (HGMD: prior to June 1st, 2018), and was therefore a candidate for classification through an automated scoring system. Utilizing variant allele frequency, disease prevalence and penetrance estimates, and inheritance mode, an automated score was calculated to assess if this variant is too frequent to cause the disease. Based on the score and internal cut-off values, a variant classified as likely benign is not then subjected to further curation. The score for this variant resulted in a classification of likely benign for this disease.

Genetic Services Laboratory, University of Chicago
Classification: Likely benign. Last evaluated: 2013-10-16. Review status: criteria provided, single submitter. Criteria: ACMG Guidelines, 2007. Collection method: clinical testing. Allele origin: germline. Inheritance: Autosomal unknown.
Comment: Likely benign based on allele frequency in 1000 Genomes Project or ESP global frequency and its presence in a patient with a rare or unrelated disease phenotype. NOT Sanger confirmed

Clinical Genomics, Uppaluri K&H Personalized Medicine Clinic
Classification: Uncertain significance for Maturity-onset diabetes of the young. Review status: criteria provided, single submitter. Criteria: K & H Uppaluri Personalized Medicine Clinic Variant Classification & Assertion Criteria_Updated V.1. Collection method: research. Allele origin: unknown. Inheritance: Somatic mutation.
Comment: Mutations in ABCC8 gene are associated with both neonatal diabetes mellitus as well as MODY. Patients with this mutation may have a better response to sulfonylureas. However, no sufficient evidence is found to ascertain the role of this particular variant ( rs75376282) in MODY yet.

Clinical Genomics, Uppaluri K&H Personalized Medicine Clinic
Classification: Uncertain significance for Transitory neonatal diabetes mellitus. Review status: criteria provided, single submitter. Criteria: K & H Uppaluri Personalized Medicine Clinic Variant Classification & Assertion Criteria_Updated V.1. Collection method: research. Allele origin: somatic. Inheritance: Somatic mutation.
Comment: Mutations in ABCC8 gene are associated with both neonatal diabetes mellitus as well as MODY. Patients with this mutation may have a better response to sulfonylureas. However, no sufficient evidence is found to ascertain the role of this particular variant ( rs75376282) in neonatal diabetes yet.

PreventionGenetics, part of Exact Sciences
Classification: Benign. Review status: criteria provided, single submitter. Criteria: ACMG Guidelines, 2015. Collection method: clinical testing. Allele origin: germline.

Natera, Inc.
Classification: Benign for Hereditary hyperinsulinism. Last evaluated: 2020-09-16. Review status: no assertion criteria provided. Collection method: clinical testing. Allele origin: germline. Not counted in ClinVar's aggregate classification.

Literature cited by the submitters: PubMed 16885549 (cited by Clinical Genomics, Uppaluri K&H Personalized Medicine Clinic); PubMed 21989597 (cited by Clinical Genomics, Uppaluri K&H Personalized Medicine Clinic); PubMed 27538677 (cited by Clinical Genomics, Uppaluri K&H Personalized Medicine Clinic); PubMed 18981553 (cited by Clinical Genomics, Uppaluri K&H Personalized Medicine Clinic); PubMed 32027066 (cited by Clinical Genomics, Uppaluri K&H Personalized Medicine Clinic); PubMed 16613899 (cited by Clinical Genomics, Uppaluri K&H Personalized Medicine Clinic); PubMed 18025408 (cited by Clinical Genomics, Uppaluri K&H Personalized Medicine Clinic); PubMed 32792356 (cited by Clinical Genomics, Uppaluri K&H Personalized Medicine Clinic).

NM_000352.6(ABCC8):c.1926C>G (p.Pro642=)

Gene: ABCC8 (ATP binding cassette subfamily C member 8; minus strand). Cytogenetic location: 11p15.1.
Variant type: single nucleotide variant.
Coding change: c.1926C>G on transcript NM_000352.6 (MANE Select); coding-DNA position 1926, C replaced by G.
Protein change: p.Pro642=; no amino-acid change (proline 642 retained).
Molecular consequence: synonymous variant. On other transcripts: non-coding transcript variant (1).
Genome position (GRCh38, 1-based): chr11:17,428,403, G>C on the plus strand (C>G on the coding strand, the complement: ABCC8 is on the minus strand). VCF-style: chr11-17428403-G-C. GRCh37 (hg19) VCF-style: chr11-17449950-G-C.
Other names: c.1926C>G, p.Pro642= (NM_001287174.3); c.1992C>G, p.Pro664= (NM_001351295.2); c.1923C>G, p.Pro641= (NM_001351296.2, NM_001351297.2).
Identifiers: ClinVar variation 157685 (VCV000157685.28), dbSNP rs75376282, ClinGen allele CA171045.